The following is an entry in ClinVar:

ClinVar aggregate classification (germline): Uncertain significance. Review status: criteria provided, single submitter (1 of 4 stars). 2 submissions from 2 submitters: Uncertain significance (1). 1 of the submissions does not count toward it. Last evaluated 2018-02-26.

Conditions:
NPHP4-related disorder. Also called: NPHP4-related disorders; NPHP4-related condition. Identifiers: MedGen CN239384.

Allele frequency attached by ClinVar (database versions not stated): gnomAD 0.00005 and 0.00006; TOPMed 0.00005; gnomAD exomes 0.00006 and 0.00013; ExAC 0.00008; ESP Exome Variant Server 0.00025.
gnomAD v4.1: 192 of 1,613,242 alleles (0.012%); highest among the groups gnomAD compares: Non-Finnish European, 0.015%; no homozygotes.

Submissions (2):

Eurofins Ntd Llc (ga)
Classification: Uncertain significance. Last evaluated: 2018-02-26. Review status: criteria provided, single submitter. Criteria: EGL ClinVar v180209 classification definitions. Collection method: clinical testing. Allele origin: germline. Observed: 2 variant alleles, 2 heterozygotes.

PreventionGenetics, part of Exact Sciences
Classification: Likely benign for NPHP4-related condition. Last evaluated: 2019-02-27. Review status: no assertion criteria provided. Collection method: clinical testing. Allele origin: germline. Not counted in ClinVar's aggregate classification.
Comment: This variant is classified as likely benign based on ACMG/AMP sequence variant interpretation guidelines (Richards et al. 2015 PMID: 25741868, with internal and published modifications).

NM_015102.5(NPHP4):c.-8C>T

Gene: NPHP4 (nephrocystin 4; minus strand). Cytogenetic location: 1p36.31.
Variant type: single nucleotide variant.
Coding change: c.-8C>T on transcript NM_015102.5 (MANE Select); 8 bases upstream of the start codon, C replaced by T.
Molecular consequence: 5 prime UTR variant. On other transcripts: non-coding transcript variant (1), intron variant (1).
Genome position (GRCh38, 1-based): chr1:5,986,297, G>A on the plus strand (C>T on the coding strand, the complement: NPHP4 is on the minus strand). VCF-style: chr1-5986297-G-A. GRCh37 (hg19) VCF-style: chr1-6046357-G-A.
Other names: c.-8C>T (NM_015102.4); c.-1237C>T (NM_001291593.2); c.-1088+5947C>T (NM_001291594.2).
Identifiers: ClinVar variation 596155 (VCV000596155.7), dbSNP rs375807896, ClinGen allele CA554970.